The following is an entry in ClinVar:

ClinVar aggregate classification (germline): Uncertain significance (1 of 4 stars; one submission).

Allele frequency attached by ClinVar (database versions not stated): gnomAD exomes below 0.00001 and 0.00002; ExAC 0.00002; gnomAD 0.00003; TOPMed 0.00005; 1000 Genomes Project 30x 0.00016; 1000 Genomes Project 0.00020.
gnomAD v4.1: 11 of 1,613,560 alleles (0.00068%); highest among the groups gnomAD compares: African/African-American, 0.012%; no homozygotes.

Submission:

Laboratory for Molecular Medicine, Mass General Brigham Personalized Medicine
Classification: Uncertain significance. Last evaluated: 2012-01-13. Review status: criteria provided, single submitter. Criteria: LMM Criteria. Collection method: clinical testing. Allele origin: germline. Observed: 1 variant allele.
Comment: The Glu22524Lys variant (TTN) has not been reported in the literature nor previo usly identified by our laboratory. Computational analyses (biochemical amino aci d properties, conservation, AlignGVGD, PolyPhen2, and SIFT) provide inconsistent predictions on the possible impact to the protein. Therefore, additional inform ation is needed to fully assess the clinical significance of this variant.

NM_001267550.2(TTN):c.75274G>A (p.Glu25092Lys)

Genes: TTN (titin; minus strand), TTN-AS1 (TTN antisense RNA 1; plus strand). Cytogenetic location: 2q31.2.
Variant type: single nucleotide variant.
Coding change: c.75274G>A on transcript NM_001267550.2 (MANE Select); coding-DNA position 75274, G replaced by A.
Protein change: p.Glu25092Lys; replaces glutamic acid 25092 with lysine.
Molecular consequence: missense variant.
Genome position (GRCh38, 1-based): chr2:178,570,858, C>T on the plus strand (G>A on the coding strand, the complement: TTN is on the minus strand). VCF-style: chr2-178570858-C-T. GRCh37 (hg19) VCF-style: chr2-179435585-C-T.
Other names: c.67570G>A, p.Glu22524Lys (NM_133378.4); c.70351G>A, p.Glu23451Lys (NM_001256850.1); c.48079G>A, p.Glu16027Lys (NM_003319.4); c.48454G>A, p.Glu16152Lys (NM_133432.3); c.48655G>A, p.Glu16219Lys (NM_133437.4); short protein forms E25092K, E22524K, E16027K, E16219K, E23451K, E16152K.
Identifiers: ClinVar variation 47337 (VCV000047337.5), dbSNP rs397517700, ClinGen allele CA140727.